The following is an entry in ClinVar:

NM_005045.4(RELN):c.4352T>C (p.Phe1451Ser)

Gene: RELN (reelin; minus strand). Cytogenetic location: 7q22.1.
Variant type: single nucleotide variant.
Coding change: c.4352T>C on transcript NM_005045.4 (MANE Select); coding-DNA position 4352, T replaced by C.
Protein change: p.Phe1451Ser; replaces phenylalanine 1451 with serine.
Molecular consequence: missense variant.
Genome position (GRCh38, 1-based): chr7:103,574,251, A>G on the plus strand (T>C on the coding strand, the complement: RELN is on the minus strand). VCF-style: chr7-103574251-A-G. GRCh37 (hg19) VCF-style: chr7-103214698-A-G.
Other names: c.4352T>C (NM_005045.3); c.4352T>C, p.Phe1451Ser (NM_173054.3); short protein forms F1451S.
Identifiers: ClinVar variation 1468234 (VCV001468234.11), dbSNP rs137965786, ClinGen allele CA4421537.

ClinVar aggregate classification (germline): Conflicting classifications of pathogenicity. Review status: criteria provided, conflicting classifications (1 of 4 stars). 4 submissions from 4 submitters: Uncertain significance (3); Likely benign (1). Last evaluated 2025-06-29.

Conditions:
Norman-Roberts syndrome (LIS2). Also called: Lissencephaly 2 (Norman-Roberts type). Identifiers: Orphanet 89844, MedGen C0796089, MONDO:0009760, OMIM 257320.
Familial temporal lobe epilepsy 7. Identifiers: Orphanet 101046, MedGen C4225327, MONDO:0014639, OMIM 616436.
Inborn genetic diseases. Identifiers: MedGen C0950123, MeSH D030342.

Allele frequency attached by ClinVar (database versions not stated): ExAC 0.00002; gnomAD exomes 0.00002 and 0.00004; gnomAD 0.00003; TOPMed 0.00003; ESP Exome Variant Server 0.00015.
gnomAD v4.1: 61 of 1,614,062 alleles (0.0038%); highest among the groups gnomAD compares: Non-Finnish European, 0.0052%; no homozygotes.

Submissions (4):

Labcorp Genetics (formerly Invitae), Labcorp
Classification: Likely benign for Familial temporal lobe epilepsy 7; Norman-Roberts syndrome. Last evaluated: 2025-06-29. Review status: criteria provided, single submitter. Criteria: Invitae Variant Classification Sherloc (09022015). Collection method: clinical testing. Allele origin: germline.

Ambry Genetics
Classification: Uncertain significance for Inborn genetic diseases. Last evaluated: 2025-01-19. Review status: criteria provided, single submitter. Criteria: Ambry Variant Classification Scheme 2023. Collection method: clinical testing. Allele origin: germline.

GeneDx
Classification: Uncertain significance. Last evaluated: 2024-05-25. Review status: criteria provided, single submitter. Criteria: GeneDx Variant Classification Process June 2021. Collection method: clinical testing. Allele origin: germline. Affected: yes.
Comment: Not observed at significant frequency in large population cohorts (gnomAD); In silico analysis indicates that this missense variant does not alter protein structure/function; Has not been previously published as pathogenic or benign to our knowledge

Blueprint Genetics
Classification: Uncertain significance. Last evaluated: 2023-12-05. Review status: criteria provided, single submitter. Criteria: ACMG Guidelines, 2015. Collection method: clinical testing. Allele origin: germline.